The following is an entry in ClinVar:

ClinVar aggregate classification (germline): Uncertain significance (1 of 4 stars; one submission).

Conditions:
Dilated cardiomyopathy 1JJ (CMD1JJ). Identifiers: Orphanet 154, MedGen C3808935, MONDO:0014095, OMIM 615235.

Allele frequency attached by ClinVar (database versions not stated): ExAC 0.00001; gnomAD 0.00001; TOPMed 0.00001; gnomAD exomes 0.00001.
gnomAD v4.1: 8 of 1,613,866 alleles (0.0005%); highest among the groups gnomAD compares: Non-Finnish European, 0.00068%; no homozygotes.

Submission:

Labcorp Genetics (formerly Invitae), Labcorp
Classification: Uncertain significance for Dilated cardiomyopathy 1JJ. Last evaluated: 2025-10-26. Review status: criteria provided, single submitter. Criteria: Invitae Variant Classification Sherloc (09022015). Collection method: clinical testing. Allele origin: germline.
Comment: This sequence change replaces tyrosine, which is neutral and polar, with histidine, which is basic and polar, at codon 117 of the LAMA4 protein (p.Tyr117His). This variant is present in population databases (rs782647664, gnomAD 0.0009%). This variant has not been reported in the literature in individuals affected with LAMA4-related conditions. ClinVar contains an entry for this variant (Variation ID: 2899359). Invitae Evidence Modeling of protein sequence and biophysical properties (such as structural, functional, and spatial information, amino acid conservation, physicochemical variation, residue mobility, and thermodynamic stability) indicates that this missense variant is not expected to disrupt LAMA4 protein function with a negative predictive value of 80%. In summary, the available evidence is currently insufficient to determine the role of this variant in disease. Therefore, it has been classified as a Variant of Uncertain Significance.

NM_001105206.3(LAMA4):c.349T>C (p.Tyr117His)

Gene: LAMA4 (laminin subunit alpha 4; minus strand). Cytogenetic location: 6q21.
Variant type: single nucleotide variant.
Coding change: c.349T>C on transcript NM_001105206.3 (MANE Select); coding-DNA position 349, T replaced by C.
Protein change: p.Tyr117His; replaces tyrosine 117 with histidine.
Molecular consequence: missense variant.
Genome position (GRCh38, 1-based): chr6:112,207,094, A>G on the plus strand (T>C on the coding strand, the complement: LAMA4 is on the minus strand). VCF-style: chr6-112207094-A-G. GRCh37 (hg19) VCF-style: chr6-112528295-A-G.
Other names: c.349T>C, p.Tyr117His (NM_001105207.3, NM_002290.5); short protein forms Y117H.
Identifiers: ClinVar variation 2899359 (VCV002899359.3), dbSNP rs782647664, ClinGen allele CA3966189.